The following is an entry in ClinVar:

NM_006086.4(TUBB3):c.863A>C (p.Glu288Ala)

Gene: TUBB3 (tubulin beta 3 class III; plus strand). Cytogenetic location: 16q24.3.
Variant type: single nucleotide variant.
Coding change: c.863A>C on transcript NM_006086.4 (MANE Select); coding-DNA position 863, A replaced by C.
Protein change: p.Glu288Ala; replaces glutamic acid 288 with alanine.
Molecular consequence: missense variant.
Genome position (GRCh38, 1-based): chr16:89,935,314, A>C. VCF-style: chr16-89935314-A-C. GRCh37 (hg19) VCF-style: chr16-90001722-A-C.
Other names: c.647A>C, p.Glu216Ala (NM_001197181.2); short protein forms E216A, E288A.
Identifiers: ClinVar variation 931842 (VCV000931842.3), dbSNP rs2030417656, ClinGen allele CA397475633.

ClinVar aggregate classification (germline): Likely pathogenic (1 of 4 stars; one submission).

Conditions:
Complex cortical dysplasia with other brain malformations 1. Identifiers: Orphanet 300570, MedGen C3808397, MONDO:0013541, OMIM 614039.

Submission:

Centre for Mendelian Genomics, University Medical Centre Ljubljana
Classification: Likely pathogenic for Complex cortical dysplasia with other brain malformations 1. Last evaluated: 2018-11-02. Review status: criteria provided, single submitter. Criteria: ACMG Guidelines, 2015. Collection method: clinical testing. Allele origin: unknown. Affected: yes.
Comment: This variant was classified as: Likely pathogenic. The following ACMG criteria were applied in classifying this variant: pm2,pp3,pm5.